The following is an entry in ClinVar:

NM_004999.4(MYO6):c.2819G>A (p.Arg940His)

Gene: MYO6 (myosin VI; plus strand). Cytogenetic location: 6q14.1.
Variant type: single nucleotide variant.
Coding change: c.2819G>A on transcript NM_004999.4 (MANE Select); coding-DNA position 2819, G replaced by A.
Protein change: p.Arg940His; replaces arginine 940 with histidine.
Molecular consequence: missense variant. On other transcripts: non-coding transcript variant (1).
Genome position (GRCh38, 1-based): chr6:75,890,217, G>A. VCF-style: chr6-75890217-G-A. GRCh37 (hg19) VCF-style: chr6-76599934-G-A.
Other names: c.2819G>A, p.Arg940His (NM_001300899.2, NM_001368136.1, NM_001368137.1 and 2 more transcripts); c.2804G>A, p.Arg935His (NM_001368138.1); short protein forms R935H, R940H.
Identifiers: ClinVar variation 3377484 (VCV003377484.4).
Genomic context (GRCh38, chr6:75,890,217, plus strand): 5'-AAGAGGAAGCAGAAAGGCTGAGGCGTATTCAAGAAGAAATGGAAAAGGAAAGAAAAAGAC[G>A]TGAAGAAGACGAAAAACGTCGAAGAAAGGAAGAGGAGGAAAGGCGGATGTGAGGCATTTA-3'
Protein context (NP_004990.3, residues 930-950): QEEMEKERKR[Arg940His]EEDEKRRRKE

ClinVar aggregate classification (germline): Uncertain significance. Review status: criteria provided, multiple submitters, no conflicts (2 of 4 stars). 4 submissions from 4 submitters: Uncertain significance (4). Last evaluated 2026-01-13.

Conditions:
Autosomal dominant nonsyndromic hearing loss 22. Also called: DFNA 22; Autosomal dominant nonsyndromic deafness 22. Identifiers: Orphanet 228012, MedGen C2931767, MONDO:0011660, OMIM 606346.
Inborn genetic diseases. Identifiers: MedGen C0950123, MeSH D030342.
MYO6-related disorder. Also called: MYO6-related condition; MYO6-related disorders.

gnomAD v4.1: 13 of 1,611,422 alleles (0.00081%); highest among the groups gnomAD compares: South Asian, 0.0022%; no homozygotes.

Submissions (4):

Labcorp Genetics (formerly Invitae), Labcorp
Classification: Uncertain significance. Last evaluated: 2026-01-13. Review status: criteria provided, single submitter. Criteria: Invitae Variant Classification Sherloc (09022015). Collection method: clinical testing. Allele origin: germline.
Comment: This sequence change replaces arginine, which is basic and polar, with histidine, which is basic and polar, at codon 940 of the MYO6 protein (p.Arg940His). This variant is present in population databases (no rsID available, gnomAD 0.002%). This variant has not been reported in the literature in individuals affected with MYO6-related conditions. ClinVar contains an entry for this variant (Variation ID: 3377484). Invitae Evidence Modeling of protein sequence and biophysical properties (such as structural, functional, and spatial information, amino acid conservation, physicochemical variation, residue mobility, and thermodynamic stability) has been performed for this missense variant. However, the output from this modeling did not meet the statistical confidence thresholds required to predict the impact of this variant on MYO6 protein function. In summary, the available evidence is currently insufficient to determine the role of this variant in disease. Therefore, it has been classified as a Variant of Uncertain Significance.

PreventionGenetics, part of Exact Sciences
Classification: Uncertain significance for MYO6-related condition. Last evaluated: 2025-08-04. Review status: criteria provided, single submitter. Criteria: ACMG Guidelines, 2015. Collection method: clinical testing. Allele origin: germline.
Comment: The MYO6 c.2819G>A variant is predicted to result in the amino acid substitution p.Arg940His. To our knowledge, this variant has not been reported in the literature. This variant is reported in 0.0016% of alleles in individuals of European (Non-Finnish) descent in gnomAD. At this time, the clinical significance of this variant is uncertain due to the absence of conclusive functional and genetic evidence.

Ambry Genetics
Classification: Uncertain significance for Inborn genetic diseases. Last evaluated: 2025-07-15. Review status: criteria provided, single submitter. Criteria: Ambry Variant Classification Scheme 2023. Collection method: clinical testing. Allele origin: germline.

Victorian Clinical Genetics Services, Murdoch Childrens Research Institute
Classification: Uncertain significance for Autosomal dominant nonsyndromic hearing loss 22. Last evaluated: 2020-05-25. Review status: criteria provided, single submitter. Criteria: ACMG Guidelines, 2015. Collection method: clinical testing. Allele origin: germline. Inheritance: Autosomal dominant inheritance. Affected: yes.
Comment: Based on the classification scheme VCGS_Germline_v1.1.1, this variant is classified as VUS – 3B. Following criteria are met: 0102 - Loss-of-function is a known mechanism of disease for this gene. (N) 0108 - This gene is known to be associated with both recessive and dominant disease, where patients with a single pathogenic allele display a weaker phenotype and later onset (PMID:30582396, PMID:29224747). (N) 0200 - Variant is predicted to result in a missense amino acid change from arginine to histidine (exon 26). (N) 0251 - Variant is heterozygous. (N) 0302 - Variant is present in gnomAD 0.001 for a dominant condition (2 heterozygotes, 0 homozygotes). (P) 0309 - Alternative amino acid changes at the same position have been observed in gnomAD (33 heterozygotes, 0 homozygotes). (N) 0502 - Missense variant with conflicting in silico predictions and uninformative conservation. (N) 0600 - Variant is located in an annotated domain or motif, the globular tail domain (PMID: 29224747). (N) 0708 – Two comparable variants (serine, cysteine) have been previously reported as VUS and likely benign (LOVD, ClinVar, deafnessvariationdatabase). (N) 0807 - Variant has not previously been reported in a clinical context. (N) 0905 - No segregation evidence has been identified for this variant. (N) 1007 - No published functional evidence has been identified for this variant. (N) 1208 - Inheritance information for this variant is not currently available. (N) Legend: (P) - Pathogenic, (N) - Neutral, (B) - Benign

Literature cited by the submitters: PubMed 29224747 (cited by Victorian Clinical Genetics Services, Murdoch Childrens Research Institute); PubMed 30582396 (cited by Victorian Clinical Genetics Services, Murdoch Childrens Research Institute).